The following is an entry in ClinVar:

NM_001376.5(DYNC1H1):c.3334-4T>C

Gene: DYNC1H1 (dynein cytoplasmic 1 heavy chain 1; plus strand). Cytogenetic location: 14q32.31.
Variant type: single nucleotide variant.
Coding change: c.3334-4T>C on transcript NM_001376.5 (MANE Select); 4 bases into the intron before coding-DNA position 3334, T replaced by C.
Molecular consequence: intron variant.
Genome position (GRCh38, 1-based): chr14:101,994,982, T>C. VCF-style: chr14-101994982-T-C. GRCh37 (hg19) VCF-style: chr14-102461319-T-C.
Identifiers: ClinVar variation 701387 (VCV000701387.12), dbSNP rs368422942, ClinGen allele CA7352002.

ClinVar aggregate classification (germline): Conflicting classifications of pathogenicity. Review status: criteria provided, conflicting classifications (1 of 4 stars). 2 submissions from 2 submitters: Uncertain significance (1); Likely benign (1). Last evaluated 2026-01-19.

Conditions:
Charcot-Marie-Tooth disease axonal type 2O. Also called: CHARCOT-MARIE-TOOTH NEUROPATHY, AXONAL, TYPE 2O; CHARCOT-MARIE-TOOTH DISEASE, AXONAL, AUTOSOMAL DOMINANT, TYPE 2O; Charcot-Marie-Tooth Neuropathy Type 2O; Charcot-Marie-Tooth disease, axonal, type 20. Identifiers: Orphanet 284232, MedGen C3280220, MONDO:0013644, OMIM 614228.
Inborn genetic diseases. Identifiers: MedGen C0950123, MeSH D030342.

Allele frequency attached by ClinVar (database versions not stated): gnomAD exomes below 0.00001 and 0.00002; ExAC 0.00002; gnomAD 0.00005 and 0.00007; TOPMed 0.00008; ESP Exome Variant Server 0.00015.
gnomAD v4.1: 14 of 1,614,068 alleles (0.00087%); highest among the groups gnomAD compares: African/African-American, 0.013%; no homozygotes.

Submissions (2):

Labcorp Genetics (formerly Invitae), Labcorp
Classification: Likely benign for Charcot-Marie-Tooth disease axonal type 2O. Last evaluated: 2026-01-19. Review status: criteria provided, single submitter. Criteria: Invitae Variant Classification Sherloc (09022015). Collection method: clinical testing. Allele origin: germline.

Ambry Genetics
Classification: Uncertain significance for Inborn genetic diseases. Last evaluated: 2017-12-16. Review status: criteria provided, single submitter. Criteria: Ambry Variant Classification Scheme 2023. Collection method: clinical testing. Allele origin: germline.
Comment: The c.3334-4T>C intronic variant results from a T to C substitution 4 nucleotides upstream from coding exon 14 in the DYNC1H1 gene. This nucleotide position is poorly conserved in available vertebrate species. Using the BDGP and ESEfinder splice site prediction tools, this alteration is not predicted to have any significant effect on this splice acceptor site; however, direct evidence is unavailable. Since supporting evidence is limited at this time, the clinical significance of this alteration remains unclear.